The following is an entry in ClinVar:

NM_024675.4(PALB2):c.1872_1891del (p.Glu625fs)

Gene: PALB2 (partner and localizer of BRCA2; minus strand). Cytogenetic location: 16p12.2.
Variant type: Deletion.
Coding change: c.1872_1891del on transcript NM_024675.4 (MANE Select); coding-DNA positions 1872 to 1891, 20 bases deleted (TGAAAAAGTGAAGTCCTGCT).
Protein change: p.Glu625fs; shifts the reading frame from glutamic acid 625.
Molecular consequence: frameshift variant.
Genome position (GRCh38, 1-based): chr16:23,630,263-23,630,282, AGCAGGACTTCACTTTTTCA deleted on the plus strand (TGAAAAAGTGAAGTCCTGCT on the coding strand, the reverse complement: PALB2 is on the minus strand); deleting any 20 consecutive bases within chr16:23,630,263-23,630,285 gives the same sequence; the c. name uses the placement nearest the transcript's 3' end. VCF-style (leftmost placement, unchanged base first): chr16-23630262-GAGCAGGACTTCACTTTTTCA-G. GRCh37 (hg19) VCF-style: chr16-23641583-GAGCAGGACTTCACTTTTTCA-G.
Other names: short protein forms E625fs.
Identifiers: ClinVar variation 847504 (VCV000847504.8), dbSNP rs1966864164, ClinGen allele CA916081853.

ClinVar aggregate classification (germline): Pathogenic (1 of 4 stars; one submission).

Conditions:
Familial cancer of breast. Also called: hereditary breast carcinoma; Hereditary breast cancer; BREAST CANCER, FAMILIAL. Identifiers: Orphanet 227535, MedGen C0346153, MONDO:0016419, OMIM 114480. Disease mechanism: loss of function.

Submission:

Labcorp Genetics (formerly Invitae), Labcorp
Classification: Pathogenic for Familial cancer of breast. Last evaluated: 2024-04-09. Review status: criteria provided, single submitter. Criteria: Invitae Variant Classification Sherloc (09022015). Collection method: clinical testing. Allele origin: germline.
Comment: This sequence change creates a premature translational stop signal (p.Glu625Argfs*8) in the PALB2 gene. It is expected to result in an absent or disrupted protein product. Loss-of-function variants in PALB2 are known to be pathogenic (PMID: 17200668, 17200671, 17200672, 24136930, 25099575). This variant is not present in population databases (gnomAD no frequency). This variant has not been reported in the literature in individuals affected with PALB2-related conditions. ClinVar contains an entry for this variant (Variation ID: 847504). For these reasons, this variant has been classified as Pathogenic.

Literature cited by the submitters: PubMed 17200668; PubMed 17200671; PubMed 17200672; PubMed 24136930; PubMed 25099575.